The following is an entry in ClinVar:

NM_005732.4(RAD50):c.2563G>T (p.Asp855Tyr)

Gene: RAD50 (RAD50 double strand break repair protein; plus strand). Cytogenetic location: 5q31.1.
Variant type: single nucleotide variant.
Coding change: c.2563G>T on transcript NM_005732.4 (MANE Select); coding-DNA position 2563, G replaced by T.
Protein change: p.Asp855Tyr; replaces aspartic acid 855 with tyrosine.
Molecular consequence: missense variant.
Genome position (GRCh38, 1-based): chr5:132,604,844, G>T. VCF-style: chr5-132604844-G-T. GRCh37 (hg19) VCF-style: chr5-131940536-G-T.
Other names: short protein forms D855Y.
Identifiers: ClinVar variation 141730 (VCV000141730.56), dbSNP rs144911328, ClinGen allele CA166252.

ClinVar aggregate classification (germline): Uncertain significance. Review status: criteria provided, multiple submitters, no conflicts (2 of 4 stars). 5 submissions from 5 submitters: Uncertain significance (5). Last evaluated 2025-11-10.

Conditions:
Hereditary cancer-predisposing syndrome. Also called: Tumor predisposition; Hereditary neoplastic syndrome; Hereditary Cancer Syndrome; Neoplastic Syndromes, Hereditary. Identifiers: Orphanet 140162, MedGen C0027672, MeSH D009386, MONDO:0015356.
Nijmegen breakage syndrome-like disorder (NBSLD). Also called: MICROCEPHALY AND SPONTANEOUS CHROMOSOME INSTABILITY WITHOUT IMMUNODEFICIENCY; NBS-LIKE DISORDER; RAD50 DEFICIENCY. Identifiers: Orphanet 240760, MedGen C2751318, MONDO:0013118, OMIM 613078.

Allele frequency attached by ClinVar (database versions not stated): TOPMed below 0.00001; ExAC 0.00001; gnomAD 0.00001; gnomAD exomes 0.00001; ESP Exome Variant Server 0.00015.
gnomAD v4.1: 18 of 1,613,148 alleles (0.0011%); highest among the groups gnomAD compares: Non-Finnish European, 0.0011%; no homozygotes.

Submissions (5):

Labcorp Genetics (formerly Invitae), Labcorp
Classification: Uncertain significance for Hereditary cancer-predisposing syndrome. Last evaluated: 2025-11-10. Review status: criteria provided, single submitter. Criteria: Invitae Variant Classification Sherloc (09022015). Collection method: clinical testing. Allele origin: germline.
Comment: This sequence change replaces aspartic acid, which is acidic and polar, with tyrosine, which is neutral and polar, at codon 855 of the RAD50 protein (p.Asp855Tyr). This variant is present in population databases (rs144911328, gnomAD 0.02%). This variant has not been reported in the literature in individuals affected with RAD50-related conditions. ClinVar contains an entry for this variant (Variation ID: 141730). Invitae Evidence Modeling of protein sequence and biophysical properties (such as structural, functional, and spatial information, amino acid conservation, physicochemical variation, residue mobility, and thermodynamic stability) indicates that this missense variant is expected to disrupt RAD50 protein function with a positive predictive value of 80%. RNA analysis performed to evaluate the impact of this missense change on mRNA splicing indicates it does not significantly alter splicing (internal data). In summary, the available evidence is currently insufficient to determine the role of this variant in disease. Therefore, it has been classified as a Variant of Uncertain Significance.

Baylor Genetics
Classification: Uncertain significance for Nijmegen breakage syndrome-like disorder. Last evaluated: 2024-02-19. Review status: criteria provided, single submitter. Criteria: ACMG Guidelines, 2015. Collection method: clinical testing. Allele origin: unknown.

Ambry Genetics
Classification: Uncertain significance for Hereditary cancer-predisposing syndrome. Last evaluated: 2022-12-05. Review status: criteria provided, single submitter. Criteria: Ambry Variant Classification Scheme 2023. Collection method: clinical testing. Allele origin: germline.
Comment: The p.D855Y variant (also known as c.2563G>T), located in coding exon 16 of the RAD50 gene, results from a G to T substitution at nucleotide position 2563. The aspartic acid at codon 855 is replaced by tyrosine, an amino acid with highly dissimilar properties. This alteration was detected in a cohort of 690 patients with myeloid malignancy (Li ST et al. Leukemia, 2020 Jun;34:1675-1678). This amino acid position is highly conserved in available vertebrate species. In addition, the in silico prediction for this alteration is inconclusive. Since supporting evidence is limited at this time, the clinical significance of this alteration remains unclear.

Institute for Clinical Genetics, University Hospital TU Dresden, University Hospital TU Dresden
Classification: Uncertain significance. Last evaluated: 2021-11-03. Review status: criteria provided, single submitter. Criteria: ACMG Guidelines, 2015. Collection method: clinical testing. Allele origin: germline.

CeGaT Center for Human Genetics Tuebingen
Classification: Uncertain significance. Last evaluated: 2017-08-01. Review status: criteria provided, single submitter. Criteria: CeGaT Center For Human Genetics Tuebingen Variant Classification Criteria Version 2. Collection method: clinical testing. Allele origin: germline. Affected: yes. Observed: 1 variant allele.

Literature cited by the submitters: PubMed 31911633 (cited by Ambry Genetics).